The following is an entry in ClinVar:

ClinVar aggregate classification (germline): Conflicting classifications of pathogenicity. Review status: criteria provided, conflicting classifications (1 of 4 stars). 5 submissions from 5 submitters: Uncertain significance (4); Likely benign (1). Last evaluated 2024-09-17.

Conditions:
Cardiomyopathy (CMYO). Also called: Cardiomyopathies. Identifiers: Orphanet 167848, MedGen C0878544, MONDO:0004994, HP:0001638. Inheritance: Various modes of inheritance.
Primary dilated cardiomyopathy (DCM). Also called: Dilated Cardiomyopathy. Identifiers: Orphanet 217604, MedGen C0007193, MeSH D002311, MONDO:0005021, HP:0001644. Inheritance: Various modes of inheritance.
Hypertrophic cardiomyopathy. Also called: HYPERTROPHIC MYOCARDIOPATHY. Identifiers: Orphanet 217569, MedGen C0007194, MeSH D002312, MONDO:0005045, HP:0001639.

Allele frequency attached by ClinVar (database versions not stated): TOPMed below 0.00001; gnomAD exomes 0.00002; ExAC 0.00003.
gnomAD v4.1: 10 of 1,614,188 alleles (0.00062%); highest among the groups gnomAD compares: Non-Finnish European, 0.00085%; no homozygotes.

Submissions (5):

Labcorp Genetics (formerly Invitae), Labcorp
Classification: Uncertain significance for Hypertrophic cardiomyopathy. Last evaluated: 2024-09-17. Review status: criteria provided, single submitter. Criteria: Invitae Variant Classification Sherloc (09022015). Collection method: clinical testing. Allele origin: germline.
Comment: This sequence change replaces threonine, which is neutral and polar, with isoleucine, which is neutral and non-polar, at codon 619 of the MYH7 protein (p.Thr619Ile). This variant is present in population databases (rs541143322, gnomAD 0.004%). This missense change has been observed in individual(s) with hypertrophic cardiomyopathy (PMID: 27532257, 37652022). ClinVar contains an entry for this variant (Variation ID: 155813). Invitae Evidence Modeling of protein sequence and biophysical properties (such as structural, functional, and spatial information, amino acid conservation, physicochemical variation, residue mobility, and thermodynamic stability) indicates that this missense variant is not expected to disrupt MYH7 protein function with a negative predictive value of 95%. This variant is found within a region of MYH7 between codons 181 and 937 that contains the majority of the myosin head domain. Missense variants in this region have been shown to be significantly overrepresented in individuals with hypertrophic cardiomyopathy (PMID: 27532257). In summary, the available evidence is currently insufficient to determine the role of this variant in disease. Therefore, it has been classified as a Variant of Uncertain Significance.

All of Us Research Program, National Institutes of Health
Classification: Uncertain significance for Cardiomyopathy. Last evaluated: 2024-01-03. Review status: criteria provided, single submitter. Criteria: ACMG Guidelines, 2015. Collection method: clinical testing. Allele origin: germline. Inheritance: Autosomal dominant inheritance. Observed: 1 variant allele, 1 heterozygote.
Comment: This missense variant replaces threonine with isoleucine at codon 619 of the MYH7 protein. Computational prediction tool indicates that this variant may have a neutral impact on protein structure and function. To our knowledge, functional studies have not been reported for this variant. This variant has been reported in three individuals affected with hypertrophic cardiomyopathy (PMID: 27532257). This variant has been identified in 5/251434 chromosomes in the general population by the Genome Aggregation Database (gnomAD). The available evidence is insufficient to determine the role of this variant in disease conclusively. Therefore, this variant is classified as a Variant of Uncertain Significance.

This study involves interpretation of variants in research participants for the purpose of population health screening. Participant phenotype was not available at the time of variant classification. Additional details can be found in publication PMID: 35346344, PMCID: PMC8962531

Color Diagnostics, LLC DBA Color Health
Classification: Uncertain significance for Cardiomyopathy. Last evaluated: 2023-12-06. Review status: criteria provided, single submitter. Criteria: ACMG Guidelines, 2015. Collection method: clinical testing. Allele origin: germline.
Comment: This missense variant replaces threonine with isoleucine at codon 619 of the MYH7 protein. Computational prediction tool indicates that this variant may have a neutral impact on protein structure and function. To our knowledge, functional studies have not been reported for this variant. This variant has been reported in three individuals affected with hypertrophic cardiomyopathy (PMID: 27532257). This variant has been identified in 5/251434 chromosomes in the general population by the Genome Aggregation Database (gnomAD). The available evidence is insufficient to determine the role of this variant in disease conclusively. Therefore, this variant is classified as a Variant of Uncertain Significance.

Petrovsky National Research Centre of Surgery, The Federal Agency for Scientific Organizations
Classification: Uncertain significance for Primary dilated cardiomyopathy. Last evaluated: 2023-06-06. Review status: criteria provided, single submitter. Criteria: Kelly et al. (Genet Med. 2018). Collection method: clinical testing. Allele origin: germline. Affected: yes.
Comment: NM_000257:c.1856C>T variant is in The Genome Aggregation Database (gnomAD) v2.1.1 with total MAF 0.00001989 (Date of access 06-06-2023). Clinvar contains entry on this variant (Variation ID: 155813). This variant has been reported in 1 study in 3 individuals with consistent phenotype (PMID: 27532257). Most in silico predictors show benign result of the protein change. In accordance with Adaptation and validation of the ACMG/AMP variant classification framework for MYH7-associated inherited cardiomyopathies: recommendations by ClinGen’s Inherited Cardiomyopathy Expert Panel (PMID: 29300372) this variant is classified as Variant of Uncertain Significance (VUS) with following criteria selected: PM1, PM2, PS4_Supporting, BP4.

Blueprint Genetics
Classification: Likely benign. Last evaluated: 2023-03-20. Review status: criteria provided, single submitter. Criteria: ACMG Guidelines, 2015. Collection method: clinical testing. Allele origin: germline.

Literature cited by the submitters: PubMed 27532257 (cited by 4 submitters); PubMed 37652022 (cited by Labcorp Genetics (formerly Invitae), Labcorp).

NM_000257.4(MYH7):c.1856C>T (p.Thr619Ile)

Gene: MYH7 (myosin heavy chain 7; minus strand). Cytogenetic location: 14q11.2.
Variant type: single nucleotide variant.
Coding change: c.1856C>T on transcript NM_000257.4 (MANE Select); coding-DNA position 1856, C replaced by T.
Protein change: p.Thr619Ile; replaces threonine 619 with isoleucine.
Molecular consequence: missense variant.
Genome position (GRCh38, 1-based): chr14:23,427,617, G>A on the plus strand (C>T on the coding strand, the complement: MYH7 is on the minus strand). VCF-style: chr14-23427617-G-A. GRCh37 (hg19) VCF-style: chr14-23896826-G-A.
Other names: p.Thr619Ile; c.1856C>T (LRG_384t1); short protein forms T619I.
Identifiers: ClinVar variation 155813 (VCV000155813.16), dbSNP rs541143322, ClinGen allele CA011355.